The following is an entry in ClinVar:

ClinVar aggregate classification (germline): Pathogenic (1 of 4 stars; one submission).

Submission:

GeneDx
Classification: Pathogenic. Last evaluated: 2024-11-11. Review status: criteria provided, single submitter. Criteria: GeneDx Variant Classification Process June 2021. Collection method: clinical testing. Allele origin: germline. Affected: yes.
Comment: Frameshift variant predicted to result in protein truncation or nonsense mediated decay in a gene for which loss of function is a known mechanism of disease; Not observed at significant frequency in large population cohorts (gnomAD); Identified in a patient with hypogonadotropic hypogonadism; however, no other information was available (PMID: 21351529); This variant is associated with the following publications: (PMID: 21351529)

NM_000216.4(ANOS1):c.279_280del (p.Asp95fs)

Gene: ANOS1 (anosmin 1; minus strand). Cytogenetic location: Xp22.31.
Variant type: Deletion.
Coding change: c.279_280del on transcript NM_000216.4 (MANE Select); coding-DNA positions 279 to 280, 2 bases deleted (AG; older notation c.279_280delAG).
Protein change: p.Asp95fs; shifts the reading frame from aspartic acid 95.
Molecular consequence: frameshift variant.
Genome position (GRCh38, 1-based): chrX:8,623,646-8,623,647, CT deleted on the plus strand (AG on the coding strand, the reverse complement: ANOS1 is on the minus strand). VCF-style (leftmost placement, unchanged base first): chrX-8623645-CCT-C. GRCh37 (hg19) VCF-style: chrX-8591686-CCT-C.
Other names: short protein forms D95fs.
Identifiers: ClinVar variation 3898825 (VCV003898825.1).